The following is an entry in ClinVar:

NM_001035.3(RYR2):c.11115C>A (p.Asp3705Glu)

Gene: RYR2 (ryanodine receptor 2; plus strand). Cytogenetic location: 1q43.
Variant type: single nucleotide variant.
Coding change: c.11115C>A on transcript NM_001035.3 (MANE Select); coding-DNA position 11115, C replaced by A.
Protein change: p.Asp3705Glu; replaces aspartic acid 3705 with glutamic acid.
Molecular consequence: missense variant.
Genome position (GRCh38, 1-based): chr1:237,742,319, C>A. VCF-style: chr1-237742319-C-A. GRCh37 (hg19) VCF-style: chr1-237905619-C-A.
Other names: short protein forms D3705E.
Identifiers: ClinVar variation 5028668 (VCV005028668.1).

ClinVar aggregate classification (germline): Uncertain significance (1 of 4 stars; one submission).

Conditions:
Cardiovascular phenotype. Identifiers: MedGen CN230736.

Submission:

Ambry Genetics
Classification: Uncertain significance for Cardiovascular phenotype. Last evaluated: 2026-06-25. Review status: criteria provided, single submitter. Criteria: Ambry Variant Classification Scheme 2023. Collection method: clinical testing. Allele origin: germline.
Comment: The p.D3705E variant (also known as c.11115C>A), located in coding exon 80 of the RYR2 gene, results from a C to A substitution at nucleotide position 11115. The aspartic acid at codon 3705 is replaced by glutamic acid, an amino acid with highly similar properties. This amino acid position is conserved. In addition, the in silico prediction for this alteration is inconclusive. Based on the available evidence, the clinical significance of this variant remains unclear.